The following is an entry in ClinVar:

ClinVar aggregate classification (germline): Uncertain significance (1 of 4 stars; one submission).

gnomAD v4.1: 10 of 1,610,076 alleles (0.00062%); highest among the groups gnomAD compares: Admixed American, 0.014%; no homozygotes.

Submission:

Ambry Genetics
Classification: Uncertain significance. Last evaluated: 2025-04-02. Review status: criteria provided, single submitter. Criteria: Ambry Variant Classification Scheme 2023. Collection method: clinical testing. Allele origin: germline.
Comment: The c.926-5T>C intronic variant results from a T to C substitution 5 nucleotides upstream from coding exon 7 in the ATRIP gene. This nucleotide position is well conserved in available vertebrate species. In silico splice site analysis predicts that this alteration will not have any significant effect on splicing. The evidence for this gene-disease relationship is limited; therefore, the clinical significance of this alteration is unclear.

NM_130384.3(ATRIP):c.926-5T>C

Genes: ATRIP (ATR interacting protein; plus strand), ATRIP-TREX1 (ATRIP-TREX1 readthrough; plus strand). Cytogenetic location: 3p21.31.
Variant type: single nucleotide variant.
Coding change: c.926-5T>C on transcript NM_130384.3 (MANE Select); 5 bases into the intron before coding-DNA position 926, T replaced by C.
Molecular consequence: intron variant.
Genome position (GRCh38, 1-based): chr3:48,459,782, T>C. VCF-style: chr3-48459782-T-C. GRCh37 (hg19) VCF-style: chr3-48501181-T-C.
Other names: c.926-5T>C (NM_032166.4); c.545-5T>C (NM_001271022.2); c.647-5T>C (NM_001271023.2).
Identifiers: ClinVar variation 3975515 (VCV003975515.1).
Genomic context (GRCh38, chr3:48,459,782, plus strand): 5'-CTTCTGAAAGCCACCGAAAAGATCTCCCATGTCAGAACCTTCTAGAGTCATCTTGTCTTC[T>C]GCAGGTTCCATTTTGATAAACCTGCTCCTGAAGCAGCCTTTGATCCCAGGGTCATCCCTA-3'